The following is an entry in ClinVar:

NM_001177316.2(SLC34A3):c.926-58C>T

Gene: SLC34A3 (solute carrier family 34 member 3; plus strand). Cytogenetic location: 9q34.3.
Variant type: single nucleotide variant.
Coding change: c.926-58C>T on transcript NM_001177316.2 (MANE Select); 58 bases into the intron before coding-DNA position 926, C replaced by T.
Molecular consequence: intron variant.
Genome position (GRCh38, 1-based): chr9:137,234,051, C>T. VCF-style: chr9-137234051-C-T. GRCh37 (hg19) VCF-style: chr9-140128503-C-T.
Other names: c.926-58C>T (NM_080877.2, NM_001177317.2, NM_080877.3).
Identifiers: ClinVar variation 1628896 (VCV001628896.10), dbSNP rs528767313, ClinGen allele CA5364687.

ClinVar aggregate classification (germline): Likely benign. Review status: criteria provided, single submitter (1 of 4 stars). 2 submissions from 2 submitters: Likely benign (1). 1 of the submissions does not count toward it. Last evaluated 2026-01-06.

Conditions:
SLC34A3-related disorder. Also called: SLC34A3-related condition.

Allele frequency attached by ClinVar (database versions not stated): gnomAD exomes 0.00073; ExAC 0.00016; 1000 Genomes Project 0.00040; 1000 Genomes Project 30x 0.00062; TOPMed 0.00067; gnomAD 0.00070 and 0.00072.

Submissions (2):

Labcorp Genetics (formerly Invitae), Labcorp
Classification: Likely benign. Last evaluated: 2026-01-06. Review status: criteria provided, single submitter. Criteria: Invitae Variant Classification Sherloc (09022015). Collection method: clinical testing. Allele origin: germline.

PreventionGenetics, part of Exact Sciences
Classification: Likely benign for SLC34A3-related condition. Last evaluated: 2022-11-14. Review status: no assertion criteria provided. Collection method: clinical testing. Allele origin: germline. Not counted in ClinVar's aggregate classification.
Comment: This variant is classified as likely benign based on ACMG/AMP sequence variant interpretation guidelines (Richards et al. 2015 PMID: 25741868, with internal and published modifications).